The following is an entry in ClinVar:

ClinVar aggregate classification (germline): Uncertain significance (1 of 4 stars; one submission).

gnomAD v4.1: 6 of 1,613,920 alleles (0.00037%); highest among the groups gnomAD compares: African/African-American, 0.0013%; no homozygotes.

Submission:

Labcorp Genetics (formerly Invitae), Labcorp
Classification: Uncertain significance. Last evaluated: 2025-12-27. Review status: criteria provided, single submitter. Criteria: Invitae Variant Classification Sherloc (09022015). Collection method: clinical testing. Allele origin: germline.
Comment: This sequence change replaces glutamine, which is neutral and polar, with glutamic acid, which is acidic and polar, at codon 627 of the INTU protein (p.Gln627Glu). This variant is present in population databases (no rsID available, gnomAD 0.0009%). This variant has not been reported in the literature in individuals affected with INTU-related conditions. Invitae Evidence Modeling of protein sequence and biophysical properties (such as structural, functional, and spatial information, amino acid conservation, physicochemical variation, residue mobility, and thermodynamic stability) has been performed for this missense variant. However, the output from this modeling did not meet the statistical confidence thresholds required to predict the impact of this variant on INTU protein function. In summary, the available evidence is currently insufficient to determine the role of this variant in disease. Therefore, it has been classified as a Variant of Uncertain Significance.

NM_015693.4(INTU):c.1879C>G (p.Gln627Glu)

Gene: INTU (inturned planar cell polarity protein; plus strand). Cytogenetic location: 4q28.1.
Variant type: single nucleotide variant.
Coding change: c.1879C>G on transcript NM_015693.4 (MANE Select); coding-DNA position 1879, C replaced by G.
Protein change: p.Gln627Glu; replaces glutamine 627 with glutamic acid.
Molecular consequence: missense variant.
Genome position (GRCh38, 1-based): chr4:127,706,577, C>G. VCF-style: chr4-127706577-C-G. GRCh37 (hg19) VCF-style: chr4-128627732-C-G.
Other names: short protein forms Q627E.
Identifiers: ClinVar variation 4701530 (VCV004701530.1).